The following is an entry in ClinVar:

NM_138477.4(CDAN1):c.639C>G (p.Thr213=)

Gene: CDAN1 (codanin 1; minus strand). Cytogenetic location: 15q15.2.
Variant type: single nucleotide variant.
Coding change: c.639C>G on transcript NM_138477.4 (MANE Select); coding-DNA position 639, C replaced by G.
Protein change: p.Thr213=; no amino-acid change (threonine 213 retained).
Molecular consequence: synonymous variant.
Genome position (GRCh38, 1-based): chr15:42,736,009, G>C on the plus strand (C>G on the coding strand, the complement: CDAN1 is on the minus strand). VCF-style: chr15-42736009-G-C. GRCh37 (hg19) VCF-style: chr15-43028207-G-C.
Other names: p.Thr213=; c.639C>G (NM_138477.2).
Identifiers: ClinVar variation 2006670 (VCV002006670.11), dbSNP rs143391538, ClinGen allele CA7516324.

ClinVar aggregate classification (germline): Benign/Likely benign. Review status: criteria provided, multiple submitters, no conflicts (2 of 4 stars). 5 submissions from 5 submitters: Benign (1); Likely benign (3). 1 of the submissions does not count toward it. Last evaluated 2025-11-11.

Conditions:
Anemia, congenital dyserythropoietic, type 1a (CDAN1A). Also called: DYSERYTHROPOIETIC ANEMIA, CONGENITAL, TYPE Ia; CDAN1-Related Congenital Dyserythropoietic Anemia. Identifiers: MedGen C5574667, MONDO:0009135, OMIM 224120.
CDAN1-related disorder. Also called: CDAN1-related condition.

Allele frequency attached by ClinVar (database versions not stated): gnomAD 0.00101; ESP Exome Variant Server 0.00115; 1000 Genomes Project 0.00200; 1000 Genomes Project 30x 0.00203.
gnomAD v4.1: 389 of 1,614,190 alleles (0.024%); highest among the groups gnomAD compares: African/African-American, 0.36%; 1 homozygote.

Submissions (5):

Labcorp Genetics (formerly Invitae), Labcorp
Classification: Benign. Last evaluated: 2025-11-11. Review status: criteria provided, single submitter. Criteria: Invitae Variant Classification Sherloc (09022015). Collection method: clinical testing. Allele origin: germline.

Blueprint Genetics
Classification: Likely benign. Last evaluated: 2024-11-27. Review status: criteria provided, single submitter. Criteria: ACMG Guidelines, 2015. Collection method: clinical testing. Allele origin: germline.

Mayo Clinic Laboratories, Mayo Clinic
Classification: Likely benign. Last evaluated: 2024-10-15. Review status: criteria provided, single submitter. Criteria: ACMG Guidelines, 2015. Collection method: clinical testing. Allele origin: germline. Observed: 7 variant alleles.
Comment: BP4, BP7

ARUP Laboratories, Molecular Genetics and Genomics, ARUP Laboratories
Classification: Likely benign for Anemia, congenital dyserythropoietic, type 1a. Last evaluated: 2023-07-29. Review status: criteria provided, single submitter. Criteria: ARUP Molecular Germline Variant Investigation Process 2024. Collection method: clinical testing. Allele origin: germline.

PreventionGenetics, part of Exact Sciences
Classification: Likely benign for CDAN1-related condition. Last evaluated: 2019-02-26. Review status: no assertion criteria provided. Collection method: clinical testing. Allele origin: germline. Not counted in ClinVar's aggregate classification.
Comment: This variant is classified as likely benign based on ACMG/AMP sequence variant interpretation guidelines (Richards et al. 2015 PMID: 25741868, with internal and published modifications).